The following is an entry in ClinVar:

NM_001142800.2(EYS):c.4406T>C (p.Ile1469Thr)

Gene: EYS (eyes shut homolog; minus strand). Cytogenetic location: 6q12.
Variant type: single nucleotide variant.
Coding change: c.4406T>C on transcript NM_001142800.2 (MANE Select); coding-DNA position 4406, T replaced by C.
Protein change: p.Ile1469Thr; replaces isoleucine 1469 with threonine.
Molecular consequence: missense variant.
Genome position (GRCh38, 1-based): chr6:64,591,461, A>G on the plus strand (T>C on the coding strand, the complement: EYS is on the minus strand). VCF-style: chr6-64591461-A-G. GRCh37 (hg19) VCF-style: chr6-65301354-A-G.
Other names: c.4406T>C, p.Ile1469Thr (NM_001292009.2); c.4406T>C (NM_001142800.1); short protein forms I1469T.
Identifiers: ClinVar variation 2147698 (VCV002147698.2), dbSNP rs868069558, ClinGen allele CA140340948.
Genomic context (GRCh38, chr6:64,591,461, plus strand): 5'-GGGCTGAGCAATCTCCAGTGCTCTCTTCTTGAAATTAAAGAATCAGCTGAATATTCTTCA[A>G]TATCCTCTTGAGCCCCCCTAGAGACAACTGGAGTTGCACTTATGGAGGCAGCTATAAGCA-3'
Protein context (NP_001136272.1, residues 1459-1479): PVVSRGAQED[Ile1469Thr]EEYSADSLIS

ClinVar aggregate classification (germline): Conflicting classifications of pathogenicity. Review status: criteria provided, conflicting classifications (1 of 4 stars). 2 submissions from 2 submitters: Uncertain significance (1); Likely benign (1). Last evaluated 2022-05-17.

Conditions:
Inborn genetic diseases. Identifiers: MedGen C0950123, MeSH D030342.

Allele frequency attached by ClinVar (database versions not stated): gnomAD 0.00003; TOPMed 0.00005.
gnomAD v4.1: 14 of 1,551,252 alleles (0.0009%); highest among the groups gnomAD compares: African/African-American, 0.011%; no homozygotes.

Submissions (2):

Labcorp Genetics (formerly Invitae), Labcorp
Classification: Uncertain significance. Last evaluated: 2022-05-17. Review status: criteria provided, single submitter. Criteria: Invitae Variant Classification Sherloc (09022015). Collection method: clinical testing. Allele origin: germline.
Comment: This sequence change replaces isoleucine, which is neutral and non-polar, with threonine, which is neutral and polar, at codon 1469 of the EYS protein (p.Ile1469Thr). This variant is present in population databases (no rsID available, gnomAD 0.01%). This variant has not been reported in the literature in individuals affected with EYS-related conditions. Algorithms developed to predict the effect of missense changes on protein structure and function output the following: SIFT: "Tolerated"; PolyPhen-2: "Benign"; Align-GVGD: "Class C0". The threonine amino acid residue is found in multiple mammalian species, which suggests that this missense change does not adversely affect protein function. In summary, the available evidence is currently insufficient to determine the role of this variant in disease. Therefore, it has been classified as a Variant of Uncertain Significance.

Ambry Genetics
Classification: Likely benign for Inborn genetic diseases. Last evaluated: 2021-12-14. Review status: criteria provided, single submitter. Criteria: Ambry Variant Classification Scheme 2023. Collection method: clinical testing. Allele origin: germline.